The following is an entry in ClinVar:

NM_000507.4(FBP1):c.826-22G>A

Gene: FBP1 (fructose-bisphosphatase 1; minus strand). Cytogenetic location: 9q22.32.
Variant type: single nucleotide variant.
Coding change: c.826-22G>A on transcript NM_000507.4 (MANE Select); 22 bases into the intron before coding-DNA position 826, G replaced by A.
Molecular consequence: intron variant.
Genome position (GRCh38, 1-based): chr9:94,603,594, C>T on the plus strand (G>A on the coding strand, the complement: FBP1 is on the minus strand). VCF-style: chr9-94603594-C-T. GRCh37 (hg19) VCF-style: chr9-97365876-C-T.
Other names: p.?; c.826-22G>A (NM_001127628.2).
Identifiers: ClinVar variation 1203745 (VCV001203745.6), dbSNP rs28369775, ClinGen allele CA5136097.

ClinVar aggregate classification (germline): Benign/Likely benign. Review status: criteria provided, multiple submitters, no conflicts (2 of 4 stars). 4 submissions from 4 submitters: Benign (2); Likely benign (2). Last evaluated 2025-03-03.

Conditions:
Fructose-biphosphatase deficiency (FBP1D). Also called: Fructose 1,6 Bisphosphatase Deficiency; Fructose-1,6-Diphosphatase Deficiency; Fructose-1,6-Bisphosphatase 1 Deficiency. Identifiers: Orphanet 348, MedGen C0016756, MONDO:0009251, OMIM 229700.

Allele frequency attached by ClinVar (database versions not stated): 1000 Genomes Project 30x 0.01202; TOPMed 0.01394; 1000 Genomes Project 0.01398; ESP Exome Variant Server 0.01915.
gnomAD v4.1: 34,688 of 1,610,830 alleles (2.2%); highest among the groups gnomAD compares: South Asian, 4.5%; 467 homozygotes.

Submissions (4):

Mayo Clinic Laboratories, Mayo Clinic
Classification: Benign. Last evaluated: 2025-03-03. Review status: criteria provided, single submitter. Criteria: ACMG Guidelines, 2015. Collection method: clinical testing. Allele origin: germline. Observed: 17 variant alleles.
Comment: BA1, BP4, BP7

Genome-Nilou Lab
Classification: Benign for Fructose-biphosphatase deficiency. Last evaluated: 2021-08-10. Review status: criteria provided, single submitter. Criteria: ACMG Guidelines, 2015. Collection method: clinical testing. Allele origin: germline. Affected: no.

GeneDx
Classification: Likely benign. Last evaluated: 2021-01-14. Review status: criteria provided, single submitter. Criteria: GeneDx Variant Classification Process June 2021. Collection method: clinical testing. Allele origin: germline. Affected: yes.

Breakthrough Genomics
Classification: Likely benign. Review status: criteria provided, single submitter. Criteria: ACMG Guidelines, 2015. Collection method: not provided. Allele origin: germline. Inheritance: Autosomal recessive inheritance. Affected: yes.